The following is an entry in ClinVar:

NM_007294.4(BRCA1):c.3840_3850del (p.Gln1281fs)

Genes: BRCA1 (BRCA1 DNA repair associated; minus strand), LOC126862571 (BRD4-independent group 4 enhancer GRCh37_chr17:41243136-41244335; plus strand). Cytogenetic location: 17q21.31.
Variant type: Deletion.
Coding change: c.3840_3850del on transcript NM_007294.4 (MANE Select); coding-DNA positions 3840 to 3850, 11 bases deleted (TCAGGAACATC).
Protein change: p.Gln1281fs; shifts the reading frame from glutamine 1281.
Molecular consequence: frameshift variant. On other transcripts: intron variant (135).
Genome position (GRCh38, 1-based): chr17:43,091,681-43,091,691, GATGTTCCTGA deleted on the plus strand (TCAGGAACATC on the coding strand, the reverse complement: BRCA1 is on the minus strand); deleting any 11 consecutive bases within chr17:43,091,681-43,091,695 gives the same sequence; the c. name uses the placement nearest the transcript's 3' end. VCF-style (leftmost placement, unchanged base first): chr17-43091680-TGATGTTCCTGA-T. GRCh37 (hg19) VCF-style: chr17-41243697-TGATGTTCCTGA-T.
Other names: 3958del11; c.3840_3850del, p.Gln1281fs (NM_001407858.1, NM_001407859.1, NM_007300.4 and 30 more transcripts); c.3837_3847del, p.Gln1280fs (NM_001407860.1, NM_001407861.1, NM_001407610.1 and 22 more transcripts); c.3639_3649del, p.Gln1214fs (NM_001407862.1); c.3717_3727del, p.Gln1240fs (NM_001407863.1, NM_001407919.1, NM_001407937.1 and 19 more transcripts); c.3636_3646del, p.Gln1213fs (NM_001407874.1, NM_001407875.1); c.3630_3640del, p.Gln1211fs (NM_001407879.1, NM_001407881.1, NM_001407882.1 and 13 more transcripts); c.3627_3637del, p.Gln1210fs (NM_001407894.1, NM_001407895.1, NM_001407896.1 and 9 more transcripts); and 43 more; short protein forms Q1234fs, Q1281fs, Q1170fs, Q1239fs, Q1280fs, Q1153fs, Q1169fs, Q1192fs.
Identifiers: ClinVar variation 266410 (VCV000266410.6), dbSNP rs886040170, ClinGen allele CA10589719.

ClinVar aggregate classification (germline): Pathogenic. Review status: reviewed by expert panel (3 of 4 stars). 2 submissions from 2 submitters: Pathogenic (1). 1 of the submissions does not count toward it. Last evaluated 2016-10-18.

Conditions:
Breast-ovarian cancer, familial, susceptibility to, 1 (BROVCA1). Also called: BRCA1 Hereditary Breast and Ovarian Cancer; OVARIAN CANCER, SUSCEPTIBILITY TO. Identifiers: Orphanet 145, MedGen C2676676, MONDO:0011450, OMIM 604370. Disease mechanism: loss of function.

Submissions (2):

Evidence-based Network for the Interpretation of Germline Mutant Alleles (ENIGMA)
Classification: Pathogenic for Breast-ovarian cancer, familial, susceptibility to, 1. Last evaluated: 2016-10-18. Review status: reviewed by expert panel. Criteria: ENIGMA BRCA1/2 Classification Criteria (2015). Collection method: curation. Allele origin: germline.
Comment: Variant allele predicted to encode a truncated non-functional protein.

Consortium of Investigators of Modifiers of BRCA1/2 (CIMBA), c/o University of Cambridge
Classification: Pathogenic for Breast-ovarian cancer, familial, susceptibility to, 1. Last evaluated: 2015-10-02. Review status: criteria provided, single submitter. Criteria: CIMBA Mutation Classification guidelines May 2016. Collection method: clinical testing. Allele origin: germline. Not counted in ClinVar's aggregate classification.